The following is an entry in ClinVar:

NM_024408.4(NOTCH2):c.6320G>A (p.Ser2107Asn)

Gene: NOTCH2 (notch receptor 2; minus strand). Cytogenetic location: 1p12.
Variant type: single nucleotide variant.
Coding change: c.6320G>A on transcript NM_024408.4 (MANE Select); coding-DNA position 6320, G replaced by A.
Protein change: p.Ser2107Asn; replaces serine 2107 with asparagine.
Molecular consequence: missense variant.
Genome position (GRCh38, 1-based): chr1:119,916,402, C>T on the plus strand (G>A on the coding strand, the complement: NOTCH2 is on the minus strand). VCF-style: chr1-119916402-C-T. GRCh37 (hg19) VCF-style: chr1-120459025-C-T.
Other names: c.6320G>A (NM_024408.3); short protein forms S2107N.
Identifiers: ClinVar variation 1911257 (VCV001911257.7), dbSNP rs1031665170, ClinGen allele CA30313790.
Genomic context (GRCh38, chr1:119,916,402, plus strand): 5'-TTGGCATCCTTTGCCTCCTTGGCAAGGTTAGGGAGGCTAGTAGGCATGGTACTCTTGGCA[C>T]TGGGCCGTCTAGACTTCTTGCCCATTGGGGTGTGCTTCAGGCTGAGGAAAGATCTGTTGG-3'
Protein context (NP_077719.2, residues 2097-2117): TPMGKKSRRP[Ser2107Asn]AKSTMPTSLP

ClinVar aggregate classification (germline): Conflicting classifications of pathogenicity. Review status: criteria provided, conflicting classifications (1 of 4 stars). 3 submissions from 3 submitters: Uncertain significance (1); Likely benign (1). 1 of the submissions does not count toward it. Last evaluated 2025-08-27.

Conditions:
Inborn genetic diseases. Identifiers: MedGen C0950123, MeSH D030342.
NOTCH2-related disorder. Also called: NOTCH2-related condition.
Hajdu-Cheney syndrome (HJCYS). Also called: ACROOSTEOLYSIS WITH OSTEOPOROSIS AND CHANGES IN SKULL AND MANDIBLE; Acroosteolysis dominant type; SERPENTINE FIBULA-POLYCYSTIC KIDNEY SYNDROME. Identifiers: Orphanet 955, MedGen C0917715, MONDO:0007057, OMIM 102500.

Allele frequency attached by ClinVar (database versions not stated): gnomAD exomes below 0.00001.
gnomAD v4.1: 2 of 1,614,192 alleles (0.00012%); highest among the groups gnomAD compares: Non-Finnish European, 0.00017%; no homozygotes.

Submissions (3):

Ambry Genetics
Classification: Likely benign for Inborn genetic diseases. Last evaluated: 2025-08-27. Review status: criteria provided, single submitter. Criteria: Ambry Variant Classification Scheme 2023. Collection method: clinical testing. Allele origin: germline.

Labcorp Genetics (formerly Invitae), Labcorp
Classification: Uncertain significance for Hajdu-Cheney syndrome. Last evaluated: 2025-06-24. Review status: criteria provided, single submitter. Criteria: Invitae Variant Classification Sherloc (09022015). Collection method: clinical testing. Allele origin: germline.
Comment: This sequence change replaces serine, which is neutral and polar, with asparagine, which is neutral and polar, at codon 2107 of the NOTCH2 protein (p.Ser2107Asn). This variant is present in population databases (no rsID available, gnomAD 0.0009%). This variant has not been reported in the literature in individuals affected with NOTCH2-related conditions. ClinVar contains an entry for this variant (Variation ID: 1911257). Invitae Evidence Modeling of protein sequence and biophysical properties (such as structural, functional, and spatial information, amino acid conservation, physicochemical variation, residue mobility, and thermodynamic stability) indicates that this missense variant is not expected to disrupt NOTCH2 protein function with a negative predictive value of 80%. In summary, the available evidence is currently insufficient to determine the role of this variant in disease. Therefore, it has been classified as a Variant of Uncertain Significance.

PreventionGenetics, part of Exact Sciences
Classification: Uncertain significance for NOTCH2-related condition. Last evaluated: 2024-06-03. Review status: no assertion criteria provided. Collection method: clinical testing. Allele origin: germline. Not counted in ClinVar's aggregate classification.
Comment: The NOTCH2 c.6320G>A variant is predicted to result in the amino acid substitution p.Ser2107Asn. To our knowledge, this variant has not been reported in the literature. This variant is reported in 0.00088% of alleles in individuals of European (Non-Finnish) descent in gnomAD. At this time, the clinical significance of this variant is uncertain due to the absence of conclusive functional and genetic evidence.